The following is an entry in ClinVar:

NM_000051.4(ATM):c.1464G>C (p.Trp488Cys)

Gene: ATM (ATM serine/threonine kinase; plus strand). Cytogenetic location: 11q22.3.
Variant type: single nucleotide variant.
Coding change: c.1464G>C on transcript NM_000051.4 (MANE Select); coding-DNA position 1464, G replaced by C.
Protein change: p.Trp488Cys; replaces tryptophan 488 with cysteine.
Molecular consequence: missense variant.
Genome position (GRCh38, 1-based): chr11:108,250,929, G>C. VCF-style: chr11-108250929-G-C. GRCh37 (hg19) VCF-style: chr11-108121656-G-C.
Other names: c.1464G>C, p.Trp488Cys (NM_001351834.2); short protein forms W488C.
Identifiers: ClinVar variation 861269 (VCV000861269.14), dbSNP rs377597949, ClinGen allele CA382534152.
Genomic context (GRCh38, chr11:108,250,929, plus strand): 5'-GAGGTCAAACCTAGAAAGCTCACAAAAGTCAGATTTATTAAAACTCTGGAATAAAATTTG[G>C]TGTATTACCTTTCGTGGTATAAGTTCTGAGCAAATACAAGCTGAAAACTTTGGCTTACTT-3'
Protein context (NP_000042.3, residues 478-498): SDLLKLWNKI[Trp488Cys]CITFRGISSE

ClinVar aggregate classification (germline): Uncertain significance. Review status: criteria provided, multiple submitters, no conflicts (2 of 4 stars). 3 submissions from 3 submitters: Uncertain significance (2). 1 of the submissions does not count toward it. Last evaluated 2025-08-18.

Conditions:
Hereditary cancer-predisposing syndrome. Also called: Hereditary neoplastic syndrome; Tumor predisposition; Neoplastic Syndromes, Hereditary; Hereditary Cancer Syndrome. Identifiers: Orphanet 140162, MedGen C0027672, MeSH D009386, MONDO:0015356.
Ataxia-telangiectasia syndrome (AT). Also called: Ataxia telangiectasia (A-T); Cerebello-oculocutaneous telangiectasia; Immunodeficiency with ataxia telangiectasia; AT, COMPLEMENTATION GROUP C; ATAXIA-TELANGIECTASIA, COMPLEMENTATION GROUP A; ATAXIA-TELANGIECTASIA, FRESNO VARIANT. Identifiers: Orphanet 100, MedGen C0004135, MONDO:0008840, OMIM 208900.

Submissions (3):

Ambry Genetics
Classification: Uncertain significance for Hereditary cancer-predisposing syndrome. Last evaluated: 2025-08-18. Review status: criteria provided, single submitter. Criteria: Ambry Variant Classification Scheme 2023. Collection method: clinical testing. Allele origin: germline.
Comment: The p.W488C variant (also known as c.1464G>C), located in coding exon 9 of the ATM gene, results from a G to C substitution at nucleotide position 1464. The tryptophan at codon 488 is replaced by cysteine, an amino acid with highly dissimilar properties. This amino acid position is well conserved in available vertebrate species. In addition, this alteration is predicted to be tolerated by in silico analysis. Based on the available evidence, the clinical significance of this variant remains unclear.

Labcorp Genetics (formerly Invitae), Labcorp
Classification: Uncertain significance for Ataxia-telangiectasia syndrome. Last evaluated: 2019-01-30. Review status: criteria provided, single submitter. Criteria: Invitae Variant Classification Sherloc (09022015). Collection method: clinical testing. Allele origin: germline.
Comment: In summary, the available evidence is currently insufficient to determine the role of this variant in disease. Therefore, it has been classified as a Variant of Uncertain Significance. Algorithms developed to predict the effect of missense changes on protein structure and function output the following: SIFT: "Deleterious"; PolyPhen-2: "Benign"; Align-GVGD: "Class C65". The cysteine amino acid residue is found in multiple mammalian species, suggesting that this missense change does not adversely affect protein function. These predictions have not been confirmed by published functional studies and their clinical significance is uncertain. This missense change has been observed in individuals affected with breast cancer (PMID: 29665859, 24549055). This variant is not present in population databases (ExAC no frequency). This sequence change replaces tryptophan with cysteine at codon 488 of the ATM protein (p.Trp488Cys). The tryptophan residue is highly conserved and there is a large physicochemical difference between tryptophan and cysteine.

Natera, Inc.
Classification: Uncertain significance for Ataxia-telangiectasia. Last evaluated: 2020-12-04. Review status: no assertion criteria provided. Collection method: clinical testing. Allele origin: germline. Not counted in ClinVar's aggregate classification.

Literature cited by the submitters: PubMed 29665859 (cited by Labcorp Genetics (formerly Invitae), Labcorp); PubMed 24549055 (cited by Labcorp Genetics (formerly Invitae), Labcorp).